The following is an entry in ClinVar:

NM_000352.6(ABCC8):c.2455C>T (p.Gln819Ter)

Genes: ABCC8 (ATP binding cassette subfamily C member 8; minus strand), LOC110121471 (VISTA enhancer hs1977; plus strand). Cytogenetic location: 11p15.1.
Variant type: single nucleotide variant.
Coding change: c.2455C>T on transcript NM_000352.6 (MANE Select); coding-DNA position 2455, C replaced by T.
Protein change: p.Gln819Ter; replaces glutamine 819 with a stop codon.
Molecular consequence: nonsense. On other transcripts: non-coding transcript variant (1).
Genome position (GRCh38, 1-based): chr11:17,413,414, G>A on the plus strand (C>T on the coding strand, the complement: ABCC8 is on the minus strand). VCF-style: chr11-17413414-G-A. GRCh37 (hg19) VCF-style: chr11-17434961-G-A.
Other names: c.2458C>T, p.Gln820Ter (NM_001287174.3); c.2521C>T, p.Gln841Ter (NM_001351295.2); c.2455C>T, p.Gln819Ter (NM_001351296.2); c.2452C>T, p.Gln818Ter (NM_001351297.2); short protein forms Q818*, Q819*, Q820*, Q841*.
Identifiers: ClinVar variation 5013706 (VCV005013706.1).

ClinVar aggregate classification (germline): Pathogenic (1 of 4 stars; one submission).

Conditions:
Hyperinsulinemic hypoglycemia, familial, 1 (HHF1). Also called: HYPERINSULINISM, FAMILIAL, WITH PANCREATIC NESIDIOBLASTOSIS; HYPOGLYCEMIA, HYPERINSULINEMIC, OF INFANCY; NESIDIOBLASTOSIS OF PANCREAS; Persistent Hyperinsulinemia Hypoglycemia of Infancy; Persistent hyperinsulinemic hypoglycemia of infancy. Identifiers: Orphanet 276575, Orphanet 276598, MedGen C2931832, MONDO:0009734, OMIM 256450.

gnomAD v4.1: 1 of 1,614,188 alleles (0.000062%); highest among the groups gnomAD compares: Non-Finnish European, 0.000085%; no homozygotes.

Submission:

Myriad Genetics, Inc.
Classification: Pathogenic for Hyperinsulinemic hypoglycemia, familial, 1. Last evaluated: 2025-12-24. Review status: criteria provided, single submitter. Criteria: Myriad Autosomal Dominant, Autosomal Recessive and X-Linked Classification Criteria (2023). Collection method: clinical testing. Allele origin: unknown.
Comment: NM_000352.3(ABCC8):c.2455C>T(Q819*) is expected to be pathogenic in the context of familial hyperinsulinism, ABCC8-related. This variant is predicted to lead to an abnormal or absent protein product due to the creation of a premature termination codon in ABCC8, a gene where loss-of-function variants are known to be pathogenic. Please note: this variant was assessed in the context of healthy population screening.